The following is an entry in ClinVar:

NM_023110.3(FGFR1):c.1862A>C (p.His621Pro)

Gene: FGFR1 (fibroblast growth factor receptor 1; minus strand). Cytogenetic location: 8p11.23.
Variant type: single nucleotide variant.
Coding change: c.1862A>C on transcript NM_023110.3 (MANE Select); coding-DNA position 1862, A replaced by C.
Protein change: p.His621Pro; replaces histidine 621 with proline.
Molecular consequence: missense variant.
Genome position (GRCh38, 1-based): chr8:38,414,894, T>G on the plus strand (A>C on the coding strand, the complement: FGFR1 is on the minus strand). VCF-style: chr8-38414894-T-G. GRCh37 (hg19) VCF-style: chr8-38272412-T-G.
Other names: c.1856A>C, p.His619Pro (NM_001174063.2, NM_001174065.2, NM_001354367.2 and 1 more transcripts); c.1832A>C, p.His611Pro (NM_001174064.2); c.1595A>C, p.His532Pro (NM_001174066.2, NM_023105.3); c.1955A>C, p.His652Pro (NM_001174067.2); c.1583A>C, p.His528Pro (NM_001354368.2); c.1850A>C, p.His617Pro (NM_001354369.2); c.1589A>C, p.His530Pro (NM_001354370.2, NM_023106.3); short protein forms H528P, H530P, H532P, H611P, H617P, H619P, H621P, H652P.
Identifiers: ClinVar variation 1333672 (VCV001333672.1), dbSNP rs2150565397, ClinGen allele CA370730614.

ClinVar aggregate classification (germline): Uncertain significance (1 of 4 stars; one submission).

Conditions:
Hypogonadotropic hypogonadism 2 with or without anosmia (HH2). Also called: HYPOGONADOTROPIC HYPOGONADISM 2 WITHOUT ANOSMIA; HYPOGONADOTROPIC HYPOGONADISM 2 WITHOUT ANOSMIA, SUSCEPTIBILITY TO; HYPOGONADOTROPIC HYPOGONADISM 2 WITH OR WITHOUT ANOSMIA, SUSCEPTIBILITY TO; FGFR1-Related GnRH Deficiency (Kallmann Syndrome 2). Identifiers: Orphanet 478, MedGen C1563720, MONDO:0007844, OMIM 147950. Disease mechanism: loss of function.

Submission:

3billion
Classification: Uncertain significance for Hypogonadotropic hypogonadism 2 with or without anosmia. Last evaluated: 2022-01-03. Review status: criteria provided, single submitter. Criteria: ACMG Guidelines, 2015. Collection method: clinical testing. Allele origin: germline. Affected: yes. Observed: 1 heterozygote.
Comment: A different missense change at the same codon has been reported to be associated with FGFR1 related disorder (PMID:17154279, PM5_P). In silico tool predictions suggest damaging effect of the variant on gene or gene product (REVEL: 0.984, 3CNET: 0.966, PP3_P). A missense variant is a common mechanism associated with Hypogonadotropic hypogonadism 2 with or without anosmia (PP2_P). It is not observed in the gnomAD v2.1.1 dataset (PM2_M). Therefore, this variant is classified as uncertain significance according to the recommendation of ACMG/AMP guideline.

Literature cited by the submitters: PubMed 17154279.